The following is an entry in ClinVar:

NM_004369.4(COL6A3):c.5281G>A (p.Asp1761Asn)

Gene: COL6A3 (collagen type VI alpha 3 chain; minus strand). Cytogenetic location: 2q37.3.
Variant type: single nucleotide variant.
Coding change: c.5281G>A on transcript NM_004369.4 (MANE Select); coding-DNA position 5281, G replaced by A.
Protein change: p.Asp1761Asn; replaces aspartic acid 1761 with asparagine.
Molecular consequence: missense variant.
Genome position (GRCh38, 1-based): chr2:237,366,906, C>T on the plus strand (G>A on the coding strand, the complement: COL6A3 is on the minus strand). VCF-style: chr2-237366906-C-T. GRCh37 (hg19) VCF-style: chr2-238275549-C-T.
Other names: c.3460G>A, p.Asp1154Asn (NM_057166.5); c.4663G>A, p.Asp1555Asn (NM_057167.4); short protein forms D1154N, D1555N, D1761N.
Identifiers: ClinVar variation 2854815 (VCV002854815.3), dbSNP rs985261792, ClinGen allele CA67814393.
Genomic context (GRCh38, chr2:237,366,906, plus strand): 5'-TATTCCTCACTCCAACAGCAAACACTTTGACCCCCCTCTGGGTGAGGGCCAGGCTCACAT[C>T]CTGTGCATCTTCCACCGACTTTCCTCCCGTGATCACAAAGGCAATCTGAGGGACCCGCTG-3'
Protein context (NP_004360.2, residues 1751-1771): TGGKSVEDAQ[Asp1761Asn]VSLALTQRGV

ClinVar aggregate classification (germline): Uncertain significance (1 of 4 stars; one submission).

Conditions:
Bethlem myopathy 1A. Also called: Bethlem myopathy 1; MYOPATHY, BENIGN CONGENITAL, WITH CONTRACTURES; Bethlem Muscular Dystrophy. Identifiers: Orphanet 610, MedGen CN029274, MONDO:0024530, OMIM 158810.

Allele frequency attached by ClinVar (database versions not stated): gnomAD 0.00001; gnomAD exomes 0.00001; TOPMed 0.00002.
gnomAD v4.1: 5 of 1,614,092 alleles (0.00031%); highest among the groups gnomAD compares: African/African-American, 0.004%; no homozygotes.

Submission:

Labcorp Genetics (formerly Invitae), Labcorp
Classification: Uncertain significance for Bethlem myopathy 1A. Last evaluated: 2022-11-15. Review status: criteria provided, single submitter. Criteria: Invitae Variant Classification Sherloc (09022015). Collection method: clinical testing. Allele origin: germline.
Comment: In summary, the available evidence is currently insufficient to determine the role of this variant in disease. Therefore, it has been classified as a Variant of Uncertain Significance. Advanced modeling of protein sequence and biophysical properties (such as structural, functional, and spatial information, amino acid conservation, physicochemical variation, residue mobility, and thermodynamic stability) performed at Invitae indicates that this missense variant is not expected to disrupt COL6A3 protein function. This sequence change replaces aspartic acid, which is acidic and polar, with asparagine, which is neutral and polar, at codon 1761 of the COL6A3 protein (p.Asp1761Asn). This variant is not present in population databases (gnomAD no frequency). This variant has not been reported in the literature in individuals affected with COL6A3-related conditions.